The following is an entry in ClinVar:

NM_000133.4(F9):c.719G>A (p.Trp240Ter)

Gene: F9 (coagulation factor IX; plus strand). Cytogenetic location: Xq27.1.
Variant type: single nucleotide variant.
Coding change: c.719G>A on transcript NM_000133.4 (MANE Select); coding-DNA position 719, G replaced by A.
Protein change: p.Trp240Ter; replaces tryptophan 240 with a stop codon.
Molecular consequence: nonsense.
Genome position (GRCh38, 1-based): chrX:139,551,260, G>A. VCF-style: chrX-139551260-G-A. GRCh37 (hg19) VCF-style: chrX-138633419-G-A.
Other names: F9, TRP194TER; W194*; c.605G>A, p.Trp202Ter (NM_001313913.2); short protein forms W202*, W240*.
Identifiers: ClinVar variation 811503 (VCV000811503.9), dbSNP rs1603265827, ClinGen allele CA414441403.

ClinVar aggregate classification (germline): Pathogenic. Review status: criteria provided, single submitter (1 of 4 stars). 2 submissions from 2 submitters: Pathogenic (1). 1 of the submissions does not count toward it. Last evaluated 2018-08-21.

Conditions:
Hereditary factor IX deficiency disease (HEMB). Also called: Christmas Disease; F9 DEFICIENCY; FACTOR IX DEFICIENCY; PLASMA THROMBOPLASTIN COMPONENT DEFICIENCY; Hemophilia B. Identifiers: Orphanet 98879, MedGen C0008533, MeSH D002836, MONDO:0010604, OMIM 306900.

Allele frequency attached by ClinVar (database versions not stated): TOPMed 0.00001.

Submissions (2):

ARUP Laboratories, Molecular Genetics and Genomics, ARUP Laboratories
Classification: Pathogenic. Last evaluated: 2018-08-21. Review status: criteria provided, single submitter. Criteria: ARUP Molecular Germline Variant Investigation Process. Collection method: clinical testing. Allele origin: germline.
Comment: The F9 c.719G>A; p.Trp240Ter variant, also known as Trp194Ter, is published in individuals and families with severe hemophilia (Green 1989, F9 database and references therein). The variant is listed in the ClinVar database (Variation ID: 10583), but is absent from general population databases (1000 Genomes Project, Exome Variant Server, and Genome Aggregation Database), indicating it is not a common polymorphism. This variant induces an early termination codon and is predicted to result in a truncated protein or mRNA subject to nonsense-mediated decay. Considering available information, this variant is classified as pathogenic. References: Link to F9 database: Green PM et al. Molecular pathology of haemophilia B. EMBO J. 1989 Apr;8(4):1067-72.

OMIM
Classification: Pathogenic for HEMOPHILIA B. Last evaluated: 1989-04-01. Review status: no assertion criteria provided. Collection method: literature only. Allele origin: germline. Not counted in ClinVar's aggregate classification.

Literature cited by the submitters: PubMed 2743975 (cited by OMIM).